The following is an entry in ClinVar:

ClinVar aggregate classification (germline): Uncertain significance (1 of 4 stars; one submission).

Submission:

Labcorp Genetics (formerly Invitae), Labcorp
Classification: Uncertain significance. Last evaluated: 2024-02-27. Review status: criteria provided, single submitter. Criteria: Invitae Variant Classification Sherloc (09022015). Collection method: clinical testing. Allele origin: germline.
Comment: This sequence change replaces serine, which is neutral and polar, with tyrosine, which is neutral and polar, at codon 449 of the ERBB4 protein (p.Ser449Tyr). This variant is not present in population databases (gnomAD no frequency). This variant has not been reported in the literature in individuals affected with ERBB4-related conditions. Advanced modeling of protein sequence and biophysical properties (such as structural, functional, and spatial information, amino acid conservation, physicochemical variation, residue mobility, and thermodynamic stability) has been performed at Invitae for this missense variant, however the output from this modeling did not meet the statistical confidence thresholds required to predict the impact of this variant on ERBB4 protein function. In summary, the available evidence is currently insufficient to determine the role of this variant in disease. Therefore, it has been classified as a Variant of Uncertain Significance.

NM_005235.3(ERBB4):c.1346C>A (p.Ser449Tyr)

Gene: ERBB4 (erb-b2 receptor tyrosine kinase 4; minus strand). Cytogenetic location: 2q34.
Variant type: single nucleotide variant.
Coding change: c.1346C>A on transcript NM_005235.3 (MANE Select); coding-DNA position 1346, C replaced by A.
Protein change: p.Ser449Tyr; replaces serine 449 with tyrosine.
Molecular consequence: missense variant.
Genome position (GRCh38, 1-based): chr2:211,702,110, G>T on the plus strand (C>A on the coding strand, the complement: ERBB4 is on the minus strand). VCF-style: chr2-211702110-G-T. GRCh37 (hg19) VCF-style: chr2-212566835-G-T.
Other names: c.1346C>A, p.Ser449Tyr (NM_001042599.2); short protein forms S449Y.
Identifiers: ClinVar variation 3643456 (VCV003643456.2).
Genomic context (GRCh38, chr2:211,702,110, plus strand): 5'-TAATAACACAGGTTGCTGTTGTCAGTAATATAGATGTTTCCTGCGCTGATTTCCTTCAGG[G>T]ACTGGAACTGTAGAGAGGTGATGCCCTGTTGCTTGAGGATAAGCAAGGACAGGCCACTAA-3'
Protein context (NP_005226.1, residues 439-459): QQGITSLQFQ[Ser449Tyr]LKEISAGNIY